The following is an entry in ClinVar:

ClinVar aggregate classification (germline): Likely benign. Review status: criteria provided, multiple submitters, no conflicts (2 of 4 stars). 4 submissions from 4 submitters: Likely benign (4). Last evaluated 2025-12-08.

Conditions:
Ehlers-Danlos syndrome, musculocontractural type 2 (EDSMC2). Identifiers: Orphanet 2953, MedGen C3809845, MONDO:0014236, OMIM 615539.

Allele frequency attached by ClinVar (database versions not stated): gnomAD exomes 0.00015 and 0.00041; ExAC 0.00051; 1000 Genomes Project 0.00100; 1000 Genomes Project 30x 0.00125; gnomAD 0.00167 and 0.00180; TOPMed 0.00214; ESP Exome Variant Server 0.00261.
gnomAD v4.1: 492 of 1,614,070 alleles (0.03%); highest among the groups gnomAD compares: African/African-American, 0.55%; 5 homozygotes.

Submissions (4):

Labcorp Genetics (formerly Invitae), Labcorp
Classification: Likely benign for Ehlers-Danlos syndrome, musculocontractural type 2. Last evaluated: 2025-12-08. Review status: criteria provided, single submitter. Criteria: Invitae Variant Classification Sherloc (09022015). Collection method: clinical testing. Allele origin: germline.

Women's Health and Genetics/Laboratory Corporation of America, LabCorp
Classification: Likely benign. Last evaluated: 2025-02-18. Review status: criteria provided, single submitter. Criteria: LabCorp Variant Classification Summary - May 2015. Collection method: clinical testing. Allele origin: germline.
Comment: Variant summary: DSE c.2651G>A (p.Arg884Gln) results in a conservative amino acid change in the encoded protein sequence. Four of five in-silico tools predict a benign effect of the variant on protein function. The variant allele was found at a frequency of 0.00041 in 251320 control chromosomes, predominantly at a frequency of 0.0057 within the African or African-American subpopulation in the gnomAD database. The observed variant frequency within African or African-American control individuals in the gnomAD database is approximately 5.1 fold of the estimated maximal expected allele frequency for a pathogenic variant in DSE causing Ehlers-Danlos syndrome, musculocontractural type 2 phenotype (0.0011). To our knowledge, no occurrence of c.2651G>A in individuals affected with Ehlers-Danlos syndrome, musculocontractural type 2 and no experimental evidence demonstrating its impact on protein function have been reported. ClinVar contains an entry for this variant (Variation ID: 668224). Based on the evidence outlined above, the variant was classified as likely benign.

Fulgent Genetics
Classification: Likely benign for Ehlers-Danlos syndrome, musculocontractural type 2. Last evaluated: 2022-02-11. Review status: criteria provided, single submitter. Criteria: ACMG Guidelines, 2015. Collection method: clinical testing. Allele origin: unknown.

GeneDx
Classification: Likely benign. Last evaluated: 2021-04-07. Review status: criteria provided, single submitter. Criteria: GeneDx Variant Classification Process June 2021. Collection method: clinical testing. Allele origin: germline. Affected: yes.

NM_013352.4(DSE):c.2651G>A (p.Arg884Gln)

Gene: DSE (dermatan sulfate epimerase; plus strand). Cytogenetic location: 6q22.1.
Variant type: single nucleotide variant.
Coding change: c.2651G>A on transcript NM_013352.4 (MANE Select); coding-DNA position 2651, G replaced by A.
Protein change: p.Arg884Gln; replaces arginine 884 with glutamine.
Molecular consequence: missense variant. On other transcripts: 3 prime UTR variant (2), non-coding transcript variant (1).
Genome position (GRCh38, 1-based): chr6:116,437,119, G>A. VCF-style: chr6-116437119-G-A. GRCh37 (hg19) VCF-style: chr6-116758282-G-A.
Other names: c.2651G>A, p.Arg884Gln (NM_001080976.3, NM_001322937.2, NM_001322938.2); c.2708G>A, p.Arg903Gln (NM_001322939.2); c.2090G>A, p.Arg697Gln (NM_001322940.2, NM_001322941.2); c.*1516G>A (NM_001322943.2, NM_001322944.2); c.1652G>A, p.Arg551Gln (NM_001374520.1); c.1616G>A, p.Arg539Gln (NM_001374521.1); short protein forms R903Q, R697Q, R884Q, R551Q, R539Q.
Identifiers: ClinVar variation 668224 (VCV000668224.13), dbSNP rs35363262, ClinGen allele CA3969852.